The following is an entry in ClinVar:

ClinVar aggregate classification (germline): Uncertain significance (1 of 4 stars; one submission).

gnomAD v4.1: 1 of 1,612,326 alleles (0.000062%); highest among the groups gnomAD compares: Admixed American, 0.0017%; no homozygotes.

Submission:

Ambry Genetics
Classification: Uncertain significance. Last evaluated: 2024-12-31. Review status: criteria provided, single submitter. Criteria: Ambry Variant Classification Scheme 2023. Collection method: clinical testing. Allele origin: germline.
Comment: The p.P1276Q variant (also known as c.3827C>A), located in coding exon 14 of the CDK12 gene, results from a C to A substitution at nucleotide position 3827. The proline at codon 1276 is replaced by glutamine, an amino acid with similar properties. This amino acid position is conserved. In addition, the in silico prediction for this alteration is inconclusive. Based on the available evidence, the clinical significance of this variant remains unclear.

NM_016507.4(CDK12):c.3827C>A (p.Pro1276Gln)

Gene: CDK12 (cyclin dependent kinase 12; plus strand). Cytogenetic location: 17q12.
Variant type: single nucleotide variant.
Coding change: c.3827C>A on transcript NM_016507.4 (MANE Select); coding-DNA position 3827, C replaced by A.
Protein change: p.Pro1276Gln; replaces proline 1276 with glutamine.
Molecular consequence: missense variant.
Genome position (GRCh38, 1-based): chr17:39,530,670, C>A. VCF-style: chr17-39530670-C-A. GRCh37 (hg19) VCF-style: chr17-37686923-C-A.
Other names: c.3800C>A, p.Pro1267Gln (NM_015083.4); short protein forms P1267Q, P1276Q.
Identifiers: ClinVar variation 3830433 (VCV003830433.1).